The following is an entry in ClinVar:

ClinVar aggregate classification (germline): Conflicting classifications of pathogenicity. Review status: criteria provided, conflicting classifications (1 of 4 stars). 4 submissions from 3 submitters: Uncertain significance (2); Benign (2). Last evaluated 2024-10-28.

Conditions:
Birt-Hogg-Dube syndrome 1 (BHD1). Also called: FIBROFOLLICULOMAS WITH TRICHODISCOMAS AND ACROCHORDONS. Identifiers: Orphanet 122, MedGen CN375946, MONDO:0800445, OMIM 135150.
Birt-Hogg-Dube syndrome. Also called: Birt Hogg Dubé syndrome. Identifiers: Orphanet 122, MedGen C0346010, MONDO:0800444.
Familial spontaneous pneumothorax (PSP). Identifiers: Orphanet 2903, MedGen C1868193, MONDO:0008259, OMIM 173600.

Allele frequency attached by ClinVar (database versions not stated): gnomAD exomes 0.00001 and 0.00002; ExAC 0.00002; gnomAD 0.00004; TOPMed 0.00007.
gnomAD v4.1: 27 of 1,613,962 alleles (0.0017%); highest among the groups gnomAD compares: African/African-American, 0.012%; no homozygotes.

Submissions (4):

Myriad Genetics, Inc.
Classification: Benign for Birt-Hogg-Dube syndrome 1. Last evaluated: 2024-10-28. Review status: criteria provided, single submitter. Criteria: Myriad Autosomal Dominant, Autosomal Recessive and X-Linked Classification Criteria (2023). Collection method: clinical testing. Allele origin: unknown.
Comment: This variant is considered benign. This variant occurs in the non-coding 3' untranslated region of the gene, and is not expected to impact protein function.

Quest Diagnostics Nichols Institute San Juan Capistrano
Classification: Uncertain significance. Last evaluated: 2023-04-26. Review status: criteria provided, single submitter. Criteria: Quest Diagnostics criteria. Collection method: clinical testing. Allele origin: unknown.
Comment: To the best of our knowledge, the variant has not been reported in the published literature. The frequency of this variant in the general population, 0.0002 (5/24966 chromosomes in African/African American subpopulation), is higher than would generally be expected for pathogenic variants in this gene. Based on the available information, we are unable to determine the clinical significance of this variant.

Illumina Laboratory Services, Illumina
Classification: Uncertain significance for Familial spontaneous pneumothorax. Last evaluated: 2018-01-13. Review status: criteria provided, single submitter. Criteria: ICSL Variant Classification Criteria 13 December 2019. Collection method: clinical testing. Allele origin: germline.

Illumina Laboratory Services, Illumina
Classification: Benign for Birt-Hogg-Dube syndrome 1. Last evaluated: 2018-01-13. Review status: criteria provided, single submitter. Criteria: ICSL Variant Classification Criteria 13 December 2019. Collection method: clinical testing. Allele origin: germline.
Comment: This variant was observed in the ICSL laboratory as part of a predisposition screen in an ostensibly healthy population. It had not been previously curated by ICSL or reported in the Human Gene Mutation Database (HGMD: prior to June 1st, 2018), and was therefore a candidate for classification through an automated scoring system. Utilizing variant allele frequency, disease prevalence and penetrance estimates, and inheritance mode, an automated score was calculated to assess if this variant is too frequent to cause the disease. Based on the score and internal cut-off values, a variant classified as benign is not then subjected to further curation. The score for this variant resulted in a classification of benign for this disease.

NM_144997.7(FLCN):c.*4G>A

Gene: FLCN (folliculin; minus strand). Cytogenetic location: 17p11.2.
Variant type: single nucleotide variant.
Coding change: c.*4G>A on transcript NM_144997.7 (MANE Select); 4 bases downstream of the stop codon, G replaced by A.
Molecular consequence: 3 prime UTR variant.
Genome position (GRCh38, 1-based): chr17:17,213,651, C>T on the plus strand (G>A on the coding strand, the complement: FLCN is on the minus strand). VCF-style: chr17-17213651-C-T. GRCh37 (hg19) VCF-style: chr17-17116965-C-T.
Other names: c.*4G>A (NM_144997.6, NM_001353229.2, NM_001353230.2 and 1 more transcripts).
Identifiers: ClinVar variation 888566 (VCV000888566.6), dbSNP rs770795599, ClinGen allele CA8415902.